The following is an entry in ClinVar:

NM_000182.5(HADHA):c.1324G>A (p.Asp442Asn)

Genes: GAREM2 (GRB2 associated regulator of MAPK1 subtype 2; plus strand), HADHA (hydroxyacyl-CoA dehydrogenase trifunctional multienzyme complex subunit alpha; minus strand). Cytogenetic location: 2p23.3.
Variant type: single nucleotide variant.
Coding change: c.1324G>A on transcript NM_000182.5 (MANE Select); coding-DNA position 1324, G replaced by A.
Protein change: p.Asp442Asn; replaces aspartic acid 442 with asparagine.
Molecular consequence: missense variant.
Genome position (GRCh38, 1-based): chr2:26,201,217, C>T on the plus strand (G>A on the coding strand, the complement: HADHA is on the minus strand). VCF-style: chr2-26201217-C-T. GRCh37 (hg19) VCF-style: chr2-26424086-C-T.
Other names: short protein forms D442N.
Identifiers: ClinVar variation 3352928 (VCV003352928.1).

ClinVar aggregate classification (germline): Uncertain significance (0 of 4 stars; one submission).

Conditions:
HADHA-related disorder. Also called: HADHA-related disorders; HADHA-related condition.

gnomAD v4.1: 84 of 1,613,506 alleles (0.0052%); highest among the groups gnomAD compares: Middle Eastern, 0.016%; no homozygotes.

Submission:

PreventionGenetics, part of Exact Sciences
Classification: Uncertain significance for HADHA-related condition. Last evaluated: 2024-06-21. Review status: no assertion criteria provided. Collection method: clinical testing. Allele origin: germline.
Comment: The HADHA c.1324G>A variant is predicted to result in the amino acid substitution p.Asp442Asn. To our knowledge, this variant has not been reported in the literature. This variant is reported in 0.0035% of alleles in individuals of European (Non-Finnish) descent in gnomAD. At this time, the clinical significance of this variant is uncertain due to the absence of conclusive functional and genetic evidence.